The following is an entry in ClinVar:

NM_022482.5(GZF1):c.1234T>A (p.Cys412Ser)

Gene: GZF1 (GDNF inducible zinc finger protein 1; plus strand). Cytogenetic location: 20p11.21.
Variant type: single nucleotide variant.
Coding change: c.1234T>A on transcript NM_022482.5 (MANE Select); coding-DNA position 1234, T replaced by A.
Protein change: p.Cys412Ser; replaces cysteine 412 with serine.
Molecular consequence: missense variant.
Genome position (GRCh38, 1-based): chr20:23,365,617, T>A. VCF-style: chr20-23365617-T-A. GRCh37 (hg19) VCF-style: chr20-23346254-T-A.
Other names: c.1234T>A, p.Cys412Ser (NM_001317012.2, NM_001317019.1); short protein forms C412S.
Identifiers: ClinVar variation 1028268 (VCV001028268.1), dbSNP rs1981249178, ClinGen allele CA408411347.

ClinVar aggregate classification (germline): Uncertain significance (1 of 4 stars; one submission).

Conditions:
Joint laxity, short stature, and myopia. Identifiers: Orphanet 527450, MedGen C4540020, MONDO:0060556, OMIM 617662.

Submission:

Baylor Genetics
Classification: Uncertain significance for Joint laxity, short stature, and myopia. Last evaluated: 2019-11-15. Review status: criteria provided, single submitter. Criteria: ACMG Guidelines, 2015. Collection method: clinical testing. Allele origin: unknown. Affected: yes.
Comment: This variant was determined to be of uncertain significance according to ACMG Guidelines, 2015 [PMID:25741868].